The following is an entry in ClinVar:

NM_001080414.4(CCDC88C):c.3930G>A (p.Met1310Ile)

Gene: CCDC88C (coiled-coil domain containing 88C; minus strand). Cytogenetic location: 14q32.11.
Variant type: single nucleotide variant.
Coding change: c.3930G>A on transcript NM_001080414.4 (MANE Select); coding-DNA position 3930, G replaced by A.
Protein change: p.Met1310Ile; replaces methionine 1310 with isoleucine.
Molecular consequence: missense variant.
Genome position (GRCh38, 1-based): chr14:91,297,341, C>T on the plus strand (G>A on the coding strand, the complement: CCDC88C is on the minus strand). VCF-style: chr14-91297341-C-T. GRCh37 (hg19) VCF-style: chr14-91763685-C-T.
Other names: short protein forms M1310I.
Identifiers: ClinVar variation 2633958 (VCV002633958.1), dbSNP rs2139766010, ClinGen allele CA390618103.

ClinVar aggregate classification (germline): Uncertain significance (1 of 4 stars; one submission).

Conditions:
CCDC88C-related disorder. Also called: CCDC88C-Related Disorders; CCDC88C-related condition.

Submission:

PreventionGenetics, part of Exact Sciences
Classification: Uncertain significance for CCDC88C-related condition. Last evaluated: 2023-10-06. Review status: criteria provided, single submitter. Criteria: ACMG Guidelines, 2015. Collection method: clinical testing. Allele origin: germline.
Comment: The CCDC88C c.3930G>A variant is predicted to result in the amino acid substitution p.Met1310Ile. To our knowledge, this variant has not been reported in the literature or in a large population database, indicating this variant is rare. At this time, the clinical significance of this variant is uncertain due to the absence of conclusive functional and genetic evidence.